The following is an entry in ClinVar:

ClinVar aggregate classification (germline): Uncertain significance (1 of 4 stars; one submission).

Submission:

Labcorp Genetics (formerly Invitae), Labcorp
Classification: Uncertain significance. Last evaluated: 2022-02-21. Review status: criteria provided, single submitter. Criteria: Invitae Variant Classification Sherloc (09022015). Collection method: clinical testing. Allele origin: germline.
Comment: In summary, the available evidence is currently insufficient to determine the role of this variant in disease. Therefore, it has been classified as a Variant of Uncertain Significance. Experimental studies and prediction algorithms are not available or were not evaluated, and the functional significance of this variant is currently unknown. This variant has not been reported in the literature in individuals affected with SMAD2-related conditions. This variant is not present in population databases (gnomAD no frequency). This variant, c.421_423del, results in the deletion of 1 amino acid(s) of the SMAD2 protein (p.His141del), but otherwise preserves the integrity of the reading frame.

NM_005901.6(SMAD2):c.418CAT[1] (p.His141del)

Gene: SMAD2 (SMAD family member 2; minus strand). Cytogenetic location: 18q21.1.
Variant type: Microsatellite.
Coding change: c.418CAT[1] on transcript NM_005901.6 (MANE Select); one copy of the 3-base unit CAT starting at c.418; the reference has two copies in a row; one copy, 3 bases deleted.
Protein change: p.His141del; deletes histidine 141.
Molecular consequence: inframe deletion.
Genome position (GRCh38, 1-based): chr18:47,869,340-47,869,342, ATG deleted on the plus strand (CAT on the coding strand, the reverse complement: SMAD2 is on the minus strand); deleting any 3 consecutive bases within chr18:47,869,340-47,869,346 gives the same sequence; the position shown is the placement nearest the transcript's 3' end. VCF-style (leftmost placement, unchanged base first): chr18-47869339-CATG-C. GRCh37 (hg19) VCF-style: chr18-45395710-CATG-C.
Other names: c.418CAT[1], p.His141del (NM_001003652.4); c.328CAT[1], p.His111del (NM_001135937.3); short protein forms H141del, H111del.
Identifiers: ClinVar variation 2050303 (VCV002050303.4), dbSNP rs2511351701, ClinGen allele CA2580612994.